The following is an entry in ClinVar:

ClinVar aggregate classification (germline): Likely benign. Review status: criteria provided, multiple submitters, no conflicts (2 of 4 stars). 2 submissions from 2 submitters: Likely benign (2). Last evaluated 2017-04-27.

Conditions:
Cone dystrophy with supernormal rod response (CDSRR). Also called: CONE DYSTROPHY WITH SUPERNORMAL ROD RESPONSES. Identifiers: Orphanet 209932, MedGen C1835897, MONDO:0012475, OMIM 610356.

Allele frequency attached by ClinVar (database versions not stated): 1000 Genomes Project 30x 0.05746; 1000 Genomes Project 0.05771; TOPMed 0.07659; gnomAD 0.08128 and 0.08241.
gnomAD v4.1: 38,567 of 437,688 alleles (8.8%); highest among the groups gnomAD compares: Middle Eastern, 11%; 2,039 homozygotes.

Submissions (2):

Illumina Laboratory Services, Illumina
Classification: Likely benign for Cone dystrophy with supernormal rod response. Last evaluated: 2017-04-27. Review status: criteria provided, single submitter. Criteria: ICSL Variant Classification Criteria 13 December 2019. Collection method: clinical testing. Allele origin: germline.
Comment: This variant was observed as part of a predisposition screen in an ostensibly healthy population. A literature search was performed for the gene, cDNA change, and amino acid change (where applicable). No publications were found based on this search. Allele frequency data from public databases allowed determination this variant is unlikely to cause disease. Therefore, this variant is classified as likely benign.

Breakthrough Genomics
Classification: Likely benign. Review status: criteria provided, single submitter. Criteria: ACMG Guidelines, 2015. Collection method: not provided. Allele origin: germline. Inheritance: Autosomal recessive inheritance. Affected: yes.

NM_133497.4(KCNV2):c.*262T>A

Gene: KCNV2 (potassium voltage-gated channel modifier subfamily V member 2; plus strand). Cytogenetic location: 9p24.2.
Variant type: single nucleotide variant.
Coding change: c.*262T>A on transcript NM_133497.4 (MANE Select); 262 bases downstream of the stop codon, T replaced by A.
Molecular consequence: 3 prime UTR variant.
Genome position (GRCh38, 1-based): chr9:2,729,989, T>A. VCF-style: chr9-2729989-T-A. GRCh37 (hg19) VCF-style: chr9-2729989-T-A.
Identifiers: ClinVar variation 366482 (VCV000366482.6), dbSNP rs57109373, ClinGen allele CA10633746.